The following is an entry in ClinVar:

ClinVar aggregate classification (germline): Uncertain significance (1 of 4 stars; one submission).

Conditions:
Brugada syndrome. Also called: Sudden unexpected nocturnal death syndrome; Sudden Unexplained Death Syndrome; Sudden Unexplained Nocturnal Death Syndrome (SUNDS); Sudden unexplained nocturnal death syndrome. Identifiers: Orphanet 130, MedGen C1142166, MONDO:0015263.

Submission:

Labcorp Genetics (formerly Invitae), Labcorp
Classification: Uncertain significance for Brugada syndrome. Last evaluated: 2025-10-03. Review status: criteria provided, single submitter. Criteria: Invitae Variant Classification Sherloc (09022015). Collection method: clinical testing. Allele origin: germline.
Comment: This sequence change replaces phenylalanine, which is neutral and non-polar, with tyrosine, which is neutral and polar, at codon 938 of the SCN10A protein (p.Phe938Tyr). This variant is present in population databases (rs776593982, gnomAD 0.003%). This variant has not been reported in the literature in individuals affected with SCN10A-related conditions. Invitae Evidence Modeling of protein sequence and biophysical properties (such as structural, functional, and spatial information, amino acid conservation, physicochemical variation, residue mobility, and thermodynamic stability) indicates that this missense variant is not expected to disrupt SCN10A protein function with a negative predictive value of 95%. In summary, the available evidence is currently insufficient to determine the role of this variant in disease. Therefore, it has been classified as a Variant of Uncertain Significance.

NM_006514.4(SCN10A):c.2813T>A (p.Phe938Tyr)

Genes: SCN10A (sodium voltage-gated channel alpha subunit 10; minus strand), LOC110121288 (VISTA enhancer hs2268; plus strand). Cytogenetic location: 3p22.2.
Variant type: single nucleotide variant.
Coding change: c.2813T>A on transcript NM_006514.4 (MANE Select); coding-DNA position 2813, T replaced by A.
Protein change: p.Phe938Tyr; replaces phenylalanine 938 with tyrosine.
Molecular consequence: missense variant.
Genome position (GRCh38, 1-based): chr3:38,726,880, A>T on the plus strand (T>A on the coding strand, the complement: SCN10A is on the minus strand). VCF-style: chr3-38726880-A-T. GRCh37 (hg19) VCF-style: chr3-38768371-A-T.
Other names: c.2813T>A, p.Phe938Tyr (NM_001293306.2); c.2519T>A, p.Phe840Tyr (NM_001293307.2); short protein forms F840Y, F938Y.
Identifiers: ClinVar variation 4766663 (VCV004766663.1).